The following is an entry in ClinVar:

ClinVar aggregate classification (germline): Pathogenic/Likely pathogenic. Review status: criteria provided, multiple submitters, no conflicts (2 of 4 stars). 2 submissions from 2 submitters: Pathogenic (1); Likely pathogenic (1). Last evaluated 2023-11-08.

Conditions:
Nephronophthisis. Also called: Juvenile Nephronophthisis. Identifiers: Orphanet 655, MedGen C0687120, MONDO:0019005, HP:0000090.
Joubert syndrome with renal defect. Also called: JOUBERT SYNDROME 4. Identifiers: Orphanet 220497, MedGen C1846790, MONDO:0012308, OMIM 609583.

Allele frequency attached by ClinVar (database versions not stated): gnomAD exomes below 0.00001.
gnomAD v4.1: 1 of 1,609,736 alleles (0.000062%); highest among the groups gnomAD compares: Non-Finnish European, 0.000085%; no homozygotes.

Submissions (2):

Labcorp Genetics (formerly Invitae), Labcorp
Classification: Pathogenic for Nephronophthisis. Last evaluated: 2023-11-08. Review status: criteria provided, single submitter. Criteria: Invitae Variant Classification Sherloc (09022015). Collection method: clinical testing. Allele origin: germline.
Comment: This sequence change affects an acceptor splice site in intron 13 of the NPHP1 gene. It is expected to disrupt RNA splicing. Variants that disrupt the donor or acceptor splice site typically lead to a loss of protein function (PMID: 16199547), and loss-of-function variants in NPHP1 are known to be pathogenic (PMID: 23559409). This variant is not present in population databases (gnomAD no frequency). Disruption of this splice site has been observed in individual(s) with nephronophthisis (PMID: 23559409). In at least one individual the data is consistent with being in trans (on the opposite chromosome) from a pathogenic variant. Algorithms developed to predict the effect of sequence changes on RNA splicing suggest that this variant may disrupt the consensus splice site. For these reasons, this variant has been classified as Pathogenic.

Baylor Genetics
Classification: Likely pathogenic for Joubert syndrome with renal defect. Last evaluated: 2023-05-10. Review status: criteria provided, single submitter. Criteria: ACMG Guidelines, 2015. Collection method: clinical testing. Allele origin: unknown.

Literature cited by the submitters: PubMed 16199547 (cited by Labcorp Genetics (formerly Invitae), Labcorp); PubMed 23559409 (cited by Labcorp Genetics (formerly Invitae), Labcorp).

NM_001128178.3(NPHP1):c.1270-2A>G

Gene: NPHP1 (nephrocystin 1; minus strand). Cytogenetic location: 2q13.
Variant type: single nucleotide variant.
Coding change: c.1270-2A>G on transcript NM_001128178.3 (MANE Select); the canonical splice acceptor site of the intron before coding-DNA position 1270, A replaced by G.
Molecular consequence: splice acceptor variant.
Genome position (GRCh38, 1-based): chr2:110,146,837, T>C on the plus strand (A>G on the coding strand, the complement: NPHP1 is on the minus strand). VCF-style: chr2-110146837-T-C. GRCh37 (hg19) VCF-style: chr2-110904414-T-C.
Other names: c.1081-2A>G (NM_001128179.3); c.1267-2A>G (NM_001374256.1); c.1270-2A>G (NM_001374257.1); c.1435-2A>G (NM_207181.4); c.1438-2A>G (NM_000272.5).
Identifiers: ClinVar variation 2677267 (VCV002677267.4), dbSNP rs2467252243, ClinGen allele CA348087778.